The following is an entry in ClinVar:

ClinVar aggregate classification (germline): Benign/Likely benign. Review status: criteria provided, multiple submitters, no conflicts (2 of 4 stars). 3 submissions from 3 submitters: Benign (1); Likely benign (1). 1 of the submissions does not count toward it. Last evaluated 2025-08-17.

Conditions:
POLA1-related disorder. Also called: POLA1-related condition.
Inborn genetic diseases. Identifiers: MedGen C0950123, MeSH D030342.

Allele frequency attached by ClinVar (database versions not stated): gnomAD exomes 0.00004 and 0.00016; ExAC 0.00017; gnomAD 0.00017 and 0.00018; 1000 Genomes Project 30x 0.00021; TOPMed 0.00023; 1000 Genomes Project 0.00026; ESP Exome Variant Server 0.00028.
gnomAD v4.1: 68 of 1,171,289 alleles (0.0058%); highest among the groups gnomAD compares: African/African-American, 0.061%; no homozygotes.

Submissions (3):

Labcorp Genetics (formerly Invitae), Labcorp
Classification: Benign. Last evaluated: 2025-08-17. Review status: criteria provided, single submitter. Criteria: Invitae Variant Classification Sherloc (09022015). Collection method: clinical testing. Allele origin: germline.

Ambry Genetics
Classification: Likely benign for Inborn genetic diseases. Last evaluated: 2022-01-10. Review status: criteria provided, single submitter. Criteria: Ambry Variant Classification Scheme 2023. Collection method: clinical testing. Allele origin: germline.

PreventionGenetics, part of Exact Sciences
Classification: Likely benign for POLA1-related condition. Last evaluated: 2023-10-23. Review status: no assertion criteria provided. Collection method: clinical testing. Allele origin: germline. Not counted in ClinVar's aggregate classification.
Comment: This variant is classified as likely benign based on ACMG/AMP sequence variant interpretation guidelines (Richards et al. 2015 PMID: 25741868, with internal and published modifications).

NM_001330360.2(POLA1):c.4025G>A (p.Arg1342His)

Gene: POLA1 (DNA polymerase alpha 1, catalytic subunit; plus strand). Cytogenetic location: Xp22.11.
Variant type: single nucleotide variant.
Coding change: c.4025G>A on transcript NM_001330360.2 (MANE Select); coding-DNA position 4025, G replaced by A.
Protein change: p.Arg1342His; replaces arginine 1342 with histidine.
Molecular consequence: missense variant. On other transcripts: non-coding transcript variant (2).
Genome position (GRCh38, 1-based): chrX:24,843,655, G>A. VCF-style: chrX-24843655-G-A. GRCh37 (hg19) VCF-style: chrX-24861772-G-A.
Other names: c.3950G>A, p.Arg1317His (NM_001378303.1); c.4007G>A, p.Arg1336His (NM_016937.4); c.4007G>A (NM_016937.3); short protein forms R1336H, R1342H, R1317H.
Identifiers: ClinVar variation 1041036 (VCV001041036.12), dbSNP rs147068943, ClinGen allele CA10373659.
Genomic context (GRCh38, chrX:24,843,655, plus strand): 5'-AGGCTTCACCTCTGACCTTTACAGTACAACTGAGCAACAAATTGATCATGGACATTAGAC[G>A]TTTCATTAAAAAGTACTATGATGTAAGTATCCATAATGATATTCTTACATACACAACTTA-3'
Protein context (NP_001317289.1, residues 1332-1352): LSNKLIMDIR[Arg1342His]FIKKYYDGWL